The following is an entry in ClinVar:

ClinVar aggregate classification (germline): Uncertain significance (1 of 4 stars; one submission).

Submission:

Labcorp Genetics (formerly Invitae), Labcorp
Classification: Uncertain significance. Last evaluated: 2024-09-26. Review status: criteria provided, single submitter. Criteria: Invitae Variant Classification Sherloc (09022015). Collection method: clinical testing. Allele origin: germline.
Comment: This sequence change replaces lysine, which is basic and polar, with threonine, which is neutral and polar, at codon 66 of the C3 protein (p.Lys66Thr). This variant is not present in population databases (gnomAD no frequency). This variant has not been reported in the literature in individuals affected with C3-related conditions. Invitae Evidence Modeling of protein sequence and biophysical properties (such as structural, functional, and spatial information, amino acid conservation, physicochemical variation, residue mobility, and thermodynamic stability) indicates that this missense variant is not expected to disrupt C3 protein function with a negative predictive value of 80%. In summary, the available evidence is currently insufficient to determine the role of this variant in disease. Therefore, it has been classified as a Variant of Uncertain Significance.

NM_000064.4(C3):c.197A>C (p.Lys66Thr)

Gene: C3 (complement C3; minus strand). Cytogenetic location: 19p13.3.
Variant type: single nucleotide variant.
Coding change: c.197A>C on transcript NM_000064.4 (MANE Select); coding-DNA position 197, A replaced by C.
Protein change: p.Lys66Thr; replaces lysine 66 with threonine.
Molecular consequence: missense variant.
Genome position (GRCh38, 1-based): chr19:6,719,281, T>G on the plus strand (A>C on the coding strand, the complement: C3 is on the minus strand). VCF-style: chr19-6719281-T-G. GRCh37 (hg19) VCF-style: chr19-6719292-T-G.
Other names: short protein forms K66T.
Identifiers: ClinVar variation 3699220 (VCV003699220.2).
Genomic context (GRCh38, chr19:6,719,281, plus strand): 5'-ACGTTGCCCATGTGGTTGGTGGCAGGGGTCAGCACAGTCTTCTCACTGGACAGCACTAGT[T>G]TTTTGCCTGGGAAGTCGTGGACAGTAACAGTGACTGGAACATCCCCTTGCGCGTCGTGGG-3'
Protein context (NP_000055.2, residues 56-76): TVTVHDFPGK[Lys66Thr]LVLSSEKTVL